The following is an entry in ClinVar:

NM_006231.4(POLE):c.4754T>C (p.Ile1585Thr)

Gene: POLE (DNA polymerase epsilon, catalytic subunit; minus strand). Cytogenetic location: 12q24.33.
Variant type: single nucleotide variant.
Coding change: c.4754T>C on transcript NM_006231.4 (MANE Select); coding-DNA position 4754, T replaced by C.
Protein change: p.Ile1585Thr; replaces isoleucine 1585 with threonine.
Molecular consequence: missense variant.
Genome position (GRCh38, 1-based): chr12:132,642,704, A>G on the plus strand (T>C on the coding strand, the complement: POLE is on the minus strand). VCF-style: chr12-132642704-A-G. GRCh37 (hg19) VCF-style: chr12-133219290-A-G.
Other names: short protein forms I1585T.
Identifiers: ClinVar variation 1722869 (VCV001722869.4), dbSNP rs1565937957, ClinGen allele CA387378503.

ClinVar aggregate classification (germline): Uncertain significance. Review status: criteria provided, multiple submitters, no conflicts (2 of 4 stars). 3 submissions from 3 submitters: Uncertain significance (3). Last evaluated 2026-09-11.

Conditions:
Hereditary cancer-predisposing syndrome. Also called: Tumor predisposition; Hereditary neoplastic syndrome; Neoplastic Syndromes, Hereditary; Hereditary Cancer Syndrome. Identifiers: Orphanet 140162, MedGen C0027672, MeSH D009386, MONDO:0015356.

Submissions (3):

Ambry Genetics
Classification: Uncertain significance for Hereditary cancer-predisposing syndrome. Last evaluated: 2026-09-11. Review status: criteria provided, single submitter. Criteria: Ambry Variant Classification Scheme 2023. Collection method: clinical testing. Allele origin: germline.

Labcorp Genetics (formerly Invitae), Labcorp
Classification: Uncertain significance. Last evaluated: 2025-08-13. Review status: criteria provided, single submitter. Criteria: Invitae Variant Classification Sherloc (09022015). Collection method: clinical testing. Allele origin: germline.
Comment: This sequence change replaces isoleucine, which is neutral and non-polar, with threonine, which is neutral and polar, at codon 1585 of the POLE protein (p.Ile1585Thr). This variant is not present in population databases (gnomAD no frequency). This variant has not been reported in the literature in individuals affected with POLE-related conditions. ClinVar contains an entry for this variant (Variation ID: 1722869). Invitae Evidence Modeling of protein sequence and biophysical properties (such as structural, functional, and spatial information, amino acid conservation, physicochemical variation, residue mobility, and thermodynamic stability) indicates that this missense variant is not expected to disrupt POLE protein function with a negative predictive value of 80%. In summary, the available evidence is currently insufficient to determine the role of this variant in disease. Therefore, it has been classified as a Variant of Uncertain Significance.

GeneDx
Classification: Uncertain significance. Last evaluated: 2022-05-04. Review status: criteria provided, single submitter. Criteria: GeneDx Variant Classification Process June 2021. Collection method: clinical testing. Allele origin: germline. Affected: yes.
Comment: Not observed at significant frequency in large population cohorts (gnomAD); In silico analysis supports that this missense variant has a deleterious effect on protein structure/function; Has not been previously published as pathogenic or benign to our knowledge